The following is an entry in ClinVar:

NM_014000.3(VCL):c.2771G>A (p.Gly924Asp)

Gene: VCL (vinculin; plus strand). Cytogenetic location: 10q22.2.
Variant type: single nucleotide variant.
Coding change: c.2771G>A on transcript NM_014000.3 (MANE Select); coding-DNA position 2771, G replaced by A.
Protein change: p.Gly924Asp; replaces glycine 924 with aspartic acid.
Molecular consequence: missense variant. On other transcripts: intron variant (1).
Genome position (GRCh38, 1-based): chr10:74,111,934, G>A. VCF-style: chr10-74111934-G-A. GRCh37 (hg19) VCF-style: chr10-75871692-G-A.
Other names: c.2746-2250G>A (NM_003373.4); short protein forms G924D.
Identifiers: ClinVar variation 1795815 (VCV001795815.5), dbSNP rs1207917397, ClinGen allele CA377264567.
Genomic context (GRCh38, chr10:74,111,934, plus strand): 5'-ATCCCTATTTCTCATCCTTCCCGCCATCGACAAAGCCGGGCATCCCAGCCGCTGAGGTGG[G>A]TATAGGTGTTGTAGCTGAGGCAGATGCGGCCGATGCTGCTGGCTTCCCTGTCCCCCCTGA-3'
Protein context (NP_054706.1, residues 914-934): SKPGIPAAEV[Gly924Asp]IGVVAEADAA

ClinVar aggregate classification (germline): Uncertain significance. Review status: criteria provided, multiple submitters, no conflicts (2 of 4 stars). 3 submissions from 3 submitters: Uncertain significance (2). 1 of the submissions does not count toward it. Last evaluated 2025-06-22.

Conditions:
Cardiovascular phenotype. Identifiers: MedGen CN230736.
VCL-related disorder. Also called: VCL-related condition.
Dilated cardiomyopathy 1W (CMD1W). Identifiers: Orphanet 154, MedGen C1969639, MONDO:0012667, OMIM 611407.

Allele frequency attached by ClinVar (database versions not stated): gnomAD exomes 0.00001.
gnomAD v4.1: 16 of 1,614,220 alleles (0.00099%); highest among the groups gnomAD compares: Non-Finnish European, 0.0014%; no homozygotes.

Submissions (3):

Labcorp Genetics (formerly Invitae), Labcorp
Classification: Uncertain significance for Dilated cardiomyopathy 1W. Last evaluated: 2025-06-22. Review status: criteria provided, single submitter. Criteria: Invitae Variant Classification Sherloc (09022015). Collection method: clinical testing. Allele origin: germline.
Comment: This sequence change replaces glycine, which is neutral and non-polar, with aspartic acid, which is acidic and polar, at codon 924 of the VCL protein (p.Gly924Asp). This variant is present in population databases (no rsID available, gnomAD 0.0009%). This variant has not been reported in the literature in individuals affected with VCL-related conditions. ClinVar contains an entry for this variant (Variation ID: 1795815). An algorithm developed to predict the effect of missense changes on protein structure and function (PolyPhen-2) suggests that this variant is likely to be tolerated. In summary, the available evidence is currently insufficient to determine the role of this variant in disease. Therefore, it has been classified as a Variant of Uncertain Significance.

Ambry Genetics
Classification: Uncertain significance for Cardiovascular phenotype. Last evaluated: 2022-07-19. Review status: criteria provided, single submitter. Criteria: Ambry Variant Classification Scheme 2023. Collection method: clinical testing. Allele origin: germline.
Comment: The p.G924D variant (also known as c.2771G>A), located in coding exon 19 of the VCL gene, results from a G to A substitution at nucleotide position 2771. The glycine at codon 924 is replaced by aspartic acid, an amino acid with similar properties. This amino acid position is conserved. In addition, this alteration is predicted to be tolerated by in silico analysis. Since supporting evidence is limited at this time, the clinical significance of this alteration remains unclear.

PreventionGenetics, part of Exact Sciences
Classification: Uncertain significance for VCL-related condition. Last evaluated: 2023-12-05. Review status: no assertion criteria provided. Collection method: clinical testing. Allele origin: germline. Not counted in ClinVar's aggregate classification.
Comment: The VCL c.2771G>A variant is predicted to result in the amino acid substitution p.Gly924Asp. To our knowledge, this variant has not been reported in the literature. This variant is reported in 0.00088% of alleles in individuals of European (Non-Finnish) descent in gnomAD. At this time, the clinical significance of this variant is uncertain due to the absence of conclusive functional and genetic evidence.